The following is an entry in ClinVar:

NM_000218.3(KCNQ1):c.1331C>G (p.Thr444Arg)

Gene: KCNQ1 (potassium voltage-gated channel subfamily Q member 1; plus strand). Cytogenetic location: 11p15.5.
Variant type: single nucleotide variant.
Coding change: c.1331C>G on transcript NM_000218.3 (MANE Select); coding-DNA position 1331, C replaced by G.
Protein change: p.Thr444Arg; replaces threonine 444 with arginine.
Molecular consequence: missense variant.
Genome position (GRCh38, 1-based): chr11:2,588,792, C>G. VCF-style: chr11-2588792-C-G. GRCh37 (hg19) VCF-style: chr11-2610022-C-G.
Other names: c.1235C>G, p.Thr412Arg (NM_001406836.1); c.1061C>G, p.Thr354Arg (NM_001406837.1); c.791C>G, p.Thr264Arg (NM_001406838.1); c.950C>G, p.Thr317Arg (NM_181798.2); short protein forms T264R, T317R, T354R, T412R, T444R.
Identifiers: ClinVar variation 3386933 (VCV003386933.1).

ClinVar aggregate classification (germline): Uncertain significance (1 of 4 stars; one submission).

Conditions:
Long QT syndrome (LQTS). Identifiers: MedGen C0023976, MeSH D008133, MONDO:0002442. Disease mechanism: loss of function. Inheritance: Various modes of inheritance.

Submission:

All of Us Research Program, National Institutes of Health
Classification: Uncertain significance for Long QT syndrome. Last evaluated: 2024-04-16. Review status: criteria provided, single submitter. Criteria: ACMG Guidelines, 2015. Collection method: clinical testing. Allele origin: germline. Inheritance: Autosomal dominant inheritance. Observed: 1 variant allele, 1 heterozygote.
Comment: This missense variant replaces threonine with arginine at codon 444 of the KCNQ1 protein. Computational prediction is inconclusive regarding the impact of this variant on protein structure and function (internally defined REVEL score threshold 0.5 < inconclusive < 0.7, PMID: 27666373). To our knowledge, functional studies have not been reported for this variant. This variant has not been reported in individuals affected with KCNQ1-related disorders in the literature. This variant has not been identified in the general population by the Genome Aggregation Database (gnomAD). The available evidence is insufficient to determine the role of this variant in disease conclusively. Therefore, this variant is classified as a Variant of Uncertain Significance.

This study involves interpretation of variants in research participants for the purpose of population health screening. Participant phenotype was not available at the time of variant classification. Additional details can be found in publication PMID: 35346344, PMCID: PMC8962531